The following is an entry in ClinVar:

ClinVar aggregate classification (germline): Likely pathogenic. Review status: criteria provided, multiple submitters, no conflicts (2 of 4 stars). 2 submissions from 2 submitters: Likely pathogenic (2). Last evaluated 2024-07-09.

Conditions:
Cohen syndrome (COH1). Also called: PEPPER SYNDROME; Cutis verticis gyrata, retinitis pigmentosa, and sensorineural deafness. Identifiers: Orphanet 193, MedGen C0265223, MONDO:0008999, OMIM 216550.
VPS13B-related disorder. Also called: VPS13B-related condition.

Submissions (2):

Natera, Inc.
Classification: Likely pathogenic for Cohen syndrome. Last evaluated: 2024-07-09. Review status: criteria provided, single submitter. Criteria: Natera Variant Classification Schema (03/2026). Collection method: clinical testing. Allele origin: germline.
Comment: The c.3361delAinsCT variant in VPS13B is a frameshift variant predicted to shift the reading frame beginning at codon 1121 and leads to a stop codon 5 codons downstream. This variant is expected to result in nonsense mediated decay, truncation, or a dysfunctional protein product. This variant is rare in the general population with a frequency below the threshold expected for the associated phenotype(s). Given the available evidence, this variant is classified as Likely Pathogenic.

Blueprint Genetics
Classification: Likely pathogenic for VPS13B-related disorders. Last evaluated: 2021-08-18. Review status: criteria provided, single submitter. Criteria: ACMG Guidelines, 2015. Collection method: clinical testing. Allele origin: germline. Affected: yes. Observed: 1 variant allele.

NM_152564.5(VPS13B):c.3361delinsCT (p.Ile1121fs)

Gene: VPS13B (vacuolar protein sorting 13 homolog B; plus strand). Cytogenetic location: 8q22.2.
Variant type: Indel.
Coding change: c.3361delinsCT on transcript NM_152564.5 (MANE Select); coding-DNA position 3361, A replaced by CT.
Protein change: p.Ile1121fs; shifts the reading frame from isoleucine 1121.
Molecular consequence: frameshift variant.
Genome position (GRCh38, 1-based): chr8:99,442,551, A replaced by CT. VCF-style: chr8-99442551-A-CT. GRCh37 (hg19) VCF-style: chr8-100454779-A-CT.
Other names: c.3361delinsCT, p.Ile1121fs (NM_017890.5); short protein forms I1121fs.
Identifiers: ClinVar variation 4815945 (VCV004815945.2).